The following is an entry in ClinVar:

NM_001164508.2(NEB):c.5153A>T (p.Gln1718Leu)

Gene: NEB (nebulin; minus strand). Cytogenetic location: 2q23.3.
Variant type: single nucleotide variant.
Coding change: c.5153A>T on transcript NM_001164508.2 (MANE Select); coding-DNA position 5153, A replaced by T.
Protein change: p.Gln1718Leu; replaces glutamine 1718 with leucine.
Molecular consequence: missense variant.
Genome position (GRCh38, 1-based): chr2:151,665,418, T>A on the plus strand (A>T on the coding strand, the complement: NEB is on the minus strand). VCF-style: chr2-151665418-T-A. GRCh37 (hg19) VCF-style: chr2-152521932-T-A.
Other names: c.5153A>T, p.Gln1718Leu (NM_001164507.2, NM_001271208.2, NM_004543.5); short protein forms Q1718L.
Identifiers: ClinVar variation 423602 (VCV000423602.5), dbSNP rs1064796520, ClinGen allele CA16617245.
Genomic context (GRCh38, chr2:151,665,418, plus strand): 5'-TTGTTAAGTGCCTGTTCCATTGTGTCCATGGCGTAAGTGAACTTCAGCTTCTCGGGGTGC[T>A]GGCGATACTTCTTCTCACTAAGAATCTCTCCTGCTTTCTTTGCCTTCTCCACCTCCAGGG-3'
Protein context (NP_001157980.2, residues 1708-1728): GEILSEKKYR[Gln1718Leu]HPEKLKFTYA

ClinVar aggregate classification (germline): Uncertain significance. Review status: criteria provided, multiple submitters, no conflicts (2 of 4 stars). 3 submissions from 3 submitters: Uncertain significance (2). 1 of the submissions does not count toward it. Last evaluated 2022-07-01.

Conditions:
Nemaline myopathy 2 (NEM2). Also called: Nemaline myopathy 2, autosomal recessive. Identifiers: MedGen C1850569, MONDO:0009725, OMIM 256030.

Allele frequency attached by ClinVar (database versions not stated): gnomAD exomes below 0.00001.
gnomAD v4.1: 1 of 1,613,814 alleles (0.000062%); highest among the groups gnomAD compares: East Asian, 0.0022%; no homozygotes.

Submissions (3):

Labcorp Genetics (formerly Invitae), Labcorp
Classification: Uncertain significance for Nemaline myopathy 2. Last evaluated: 2022-07-01. Review status: criteria provided, single submitter. Criteria: Invitae Variant Classification Sherloc (09022015). Collection method: clinical testing. Allele origin: germline.
Comment: This sequence change replaces glutamine, which is neutral and polar, with leucine, which is neutral and non-polar, at codon 1718 of the NEB protein (p.Gln1718Leu). This variant is not present in population databases (gnomAD no frequency). This variant has not been reported in the literature in individuals affected with NEB-related conditions. ClinVar contains an entry for this variant (Variation ID: 423602). Algorithms developed to predict the effect of missense changes on protein structure and function are either unavailable or do not agree on the potential impact of this missense change (SIFT: "Deleterious"; PolyPhen-2: "Not Available"; Align-GVGD: "Class C0"). In summary, the available evidence is currently insufficient to determine the role of this variant in disease. Therefore, it has been classified as a Variant of Uncertain Significance.

GeneDx
Classification: Uncertain significance. Last evaluated: 2017-02-15. Review status: criteria provided, single submitter. Criteria: GeneDx Variant Classification (06012015). Collection method: clinical testing. Allele origin: germline. Affected: yes.
Comment: The Q1718L variant in the NEB gene has not been reported previously as a pathogenic variant, nor as a benign variant, to our knowledge. This variant is not observed in large population cohorts (Lek et al., 2016; 1000 Genomes Consortium et al., 2015; Exome Variant Server). The Q1718L variant is a non-conservative amino acid substitution, which is likely to impact secondary protein structure as these residues differ in polarity, charge, size and/or other properties. This substitution occurs at a position where amino acids with similar properties to Glutamine are tolerated across species. In silico analysis predicts this variant is probably damaging to the protein structure/function. We interpret Q1718L as a variant of uncertain significance.

Natera, Inc.
Classification: Uncertain significance for Nemaline myopathy type 2. Last evaluated: 2021-01-25. Review status: no assertion criteria provided. Collection method: clinical testing. Allele origin: germline. Not counted in ClinVar's aggregate classification.